The following is an entry in ClinVar:

NM_001039591.3(USP9X):c.98C>T (p.Thr33Ile)

Gene: USP9X (ubiquitin specific peptidase 9 X-linked; plus strand). Cytogenetic location: Xp11.4.
Variant type: single nucleotide variant.
Coding change: c.98C>T on transcript NM_001039591.3 (MANE Select); coding-DNA position 98, C replaced by T.
Protein change: p.Thr33Ile; replaces threonine 33 with isoleucine.
Molecular consequence: missense variant.
Genome position (GRCh38, 1-based): chrX:41,129,001, C>T. VCF-style: chrX-41129001-C-T. GRCh37 (hg19) VCF-style: chrX-40988254-C-T.
Other names: c.98C>T, p.Thr33Ile (NM_001039590.3, NM_001410748.1, NM_001410749.1 and 1 more transcripts); short protein forms T33I.
Identifiers: ClinVar variation 4074627 (VCV004074627.2).
Genomic context (GRCh38, chrX:41,129,001, plus strand): 5'-ATTACTATTTTACATATGTTATAGAAACTTAAATGTGGAATGTTTAATTTTTAATTAAGA[C>T]TTCATCGCCTGATTCTTCCAATGAAAATTCCCCGGCAACTCCCCCAGATGAGCAAGGTCA-3'
Protein context (NP_001034680.2, residues 23-43): QSQPPLQQNQ[Thr33Ile]SSPDSSNENS

ClinVar aggregate classification (germline): Uncertain significance (1 of 4 stars; one submission).

Submission:

GeneDx
Classification: Uncertain significance. Last evaluated: 2026-03-05. Review status: criteria provided, single submitter. Criteria: GeneDx Variant Classification Process June 2021. Collection method: clinical testing. Allele origin: germline.
Comment: Not observed at significant frequency in large population cohorts (gnomAD); In silico analysis suggests that this missense variant does not alter protein structure/function; Has not been previously published as pathogenic or benign to our knowledge